The following is an entry in ClinVar:

NM_017570.5(OPLAH):c.2608del (p.His870fs)

Gene: OPLAH (5-oxoprolinase, ATP-hydrolysing; minus strand). Cytogenetic location: 8q24.3.
Variant type: Deletion.
Coding change: c.2608del on transcript NM_017570.5 (MANE Select); coding-DNA position 2608, one base deleted (C; older notation c.2608delC).
Protein change: p.His870fs; shifts the reading frame from histidine 870.
Molecular consequence: frameshift variant.
Genome position (GRCh38, 1-based): chr8:144,054,639, G deleted on the plus strand (C on the coding strand, the reverse complement: OPLAH is on the minus strand); the first of 7 consecutive G bases (chr8:144,054,639-144,054,645); deleting any one gives the same sequence. VCF-style (leftmost placement, unchanged base first): chr8-144054638-TG-T. GRCh37 (hg19) VCF-style: chr8-145109541-TG-T.
Other names: short protein forms H870fs.
Identifiers: ClinVar variation 4980007 (VCV004980007.1).

ClinVar aggregate classification (germline): Pathogenic (1 of 4 stars; one submission).

Conditions:
OPLAH-related disorder. Also called: OPLAH-related condition.

Submission:

PreventionGenetics, part of Exact Sciences
Classification: Pathogenic for OPLAH-related condition. Last evaluated: 2025-07-25. Review status: criteria provided, single submitter. Criteria: ACMG Guidelines, 2015. Collection method: clinical testing. Allele origin: germline.
Comment: The OPLAH c.2608delC variant is predicted to result in a frameshift and premature protein termination (p.His870Thrfs*28). This variant has been reported in the homozygous state in an individual with 5-oxoprolinase deficiency (Sass et al. 2016. PubMed ID: 27477828). This variant is reported in 0.0029% of alleles in individuals of Latino descent in gnomAD. Frameshift variants in OPLAH are expected to be pathogenic. This variant is interpreted as pathogenic.